The following is an entry in ClinVar:

NM_007294.4(BRCA1):c.5467+3A>C

Gene: BRCA1 (BRCA1 DNA repair associated; minus strand). Cytogenetic location: 17q21.31.
Variant type: single nucleotide variant.
Coding change: c.5467+3A>C on transcript NM_007294.4 (MANE Select); 3 bases into the intron after coding-DNA position 5467, A replaced by C.
Molecular consequence: intron variant.
Genome position (GRCh38, 1-based): chr17:43,047,640, T>G on the plus strand (A>C on the coding strand, the complement: BRCA1 is on the minus strand). VCF-style: chr17-43047640-T-G. GRCh37 (hg19) VCF-style: chr17-41199657-T-G.
Other names: IVS23+3A>C; c.2014+3A>C (NM_001408458.1, NM_001408461.1, NM_001408464.1 and 7 more transcripts); c.4576+3A>C (NM_001407967.1); c.5086+3A>C (NM_001407959.1); c.5200+3A>C (NM_001407931.1, NM_001407932.1, NM_001407928.1 and 4 more transcripts); c.5323+3A>C (NM_001407747.1, NM_001407745.1, NM_001407737.1 and 18 more transcripts); c.5083+3A>C (NM_001407962.1, NM_001407960.1); c.1654+3A>C (NM_001408512.1); and 84 more.
Identifiers: ClinVar variation 96951 (VCV000096951.24), dbSNP rs431825417, ClinGen allele CA003613.
Genomic context (GRCh38, chr17:43,047,640, plus strand): 5'-GAGTGATAAACCAAACCCATGCAAAAGGACCCCATATAGCACAGGTACATGCAGGCACCT[T>G]ACCATGGAAGCCATTGTCCTCTGTCCAGGCATCTGGCTGCACAACCACAATTGGGTGGAC-3'

ClinVar aggregate classification (germline): Conflicting classifications of pathogenicity. Review status: criteria provided, conflicting classifications (1 of 4 stars). 8 submissions from 8 submitters: Likely pathogenic (3); Uncertain significance (3). 2 of the submissions do not count toward it. Last evaluated 2025-12-02.

Conditions:
Breast-ovarian cancer, familial, susceptibility to, 1 (BROVCA1). Also called: BRCA1 Hereditary Breast and Ovarian Cancer; OVARIAN CANCER, SUSCEPTIBILITY TO. Identifiers: Orphanet 145, MedGen C2676676, MONDO:0011450, OMIM 604370. Disease mechanism: loss of function.
Fanconi anemia, complementation group S (FANCS). Identifiers: MedGen C4554406, MONDO:0054748, OMIM 617883.
Familial cancer of breast. Also called: hereditary breast carcinoma; Hereditary breast cancer; BREAST CANCER, FAMILIAL. Identifiers: Orphanet 227535, MedGen C0346153, MONDO:0016419, OMIM 114480. Disease mechanism: loss of function.
Hereditary cancer-predisposing syndrome. Also called: Hereditary Cancer Syndrome; Neoplastic Syndromes, Hereditary; Hereditary neoplastic syndrome; Tumor predisposition. Identifiers: Orphanet 140162, MedGen C0027672, MeSH D009386, MONDO:0015356.
Hereditary breast ovarian cancer syndrome. Also called: Hereditary breast and/or ovarian cancer syndrome; Hereditary breast and ovarian cancer syndrome; Hereditary breast and ovarian cancer; Hereditary breast and ovarian cancer syndrome (HBOC); Breast and ovarian cancer; BRCA1- and BRCA2-Associated Hereditary Breast and Ovarian Cancer. Identifiers: Orphanet 145, MedGen C0677776, MeSH D061325, MONDO:0003582. Disease mechanism: loss of function.

Submissions (9):

Dasa
Classification: Likely pathogenic for Breast-ovarian cancer, familial, susceptibility to, 1. Last evaluated: 2025-12-02. Review status: criteria provided, single submitter. Criteria: DASA Assertion Criteria. Collection method: clinical testing. Allele origin: germline.
Comment: NM_007294.4(BRCA1):c.5467+3A>C is a splice-region variant predicted to affect normal RNA splicing. This variant affects a splice-region context with prior evidence supporting clinical relevance. Functional evidence supports an impact on the gene or gene product (PMID: 30209399; PMID: 26976419). Also, this variant is absent from population databases. Computational evidence supports a deleterious effect. Based on the currently available evidence, this variant is classified as likely pathogenic.

Ambry Genetics
Classification: Likely pathogenic for Hereditary cancer-predisposing syndrome. Last evaluated: 2025-07-03. Review status: criteria provided, single submitter. Criteria: Ambry Variant Classification Scheme 2023. Collection method: clinical testing. Allele origin: germline.
Comment: The c.5467+3A>C intronic variant results from an A to C substitution 3 nucleotides after coding exon 21 in the BRCA1 gene. This nucleotide position is not well conserved in available vertebrate species. This alteration has been reported in a cohort of 488 patients with stages I to III breast cancer who were tested with a 25-gene panel test (Tung N et al. J Clin Oncol, 2016 May;34:1460-8). One functional study found that this nucleotide substitution is non-functional in a high throughput genome editing haploid cell survival assay (Findlay GM et al. Nature, 2018 Oct;562:217-222). In silico splice site analysis predicts that this alteration will weaken the native splice donor site; however, direct evidence is insufficient at this time (Ambry internal data). This variant is considered to be rare based on population cohorts in the Genome Aggregation Database (gnomAD). Based on the majority of available evidence to date, this variant is likely to be pathogenic.

Labcorp Genetics (formerly Invitae), Labcorp
Classification: Uncertain significance for Hereditary breast ovarian cancer syndrome. Last evaluated: 2025-06-14. Review status: criteria provided, single submitter. Criteria: Invitae Variant Classification Sherloc (09022015). Collection method: clinical testing. Allele origin: germline.
Comment: This sequence change falls in intron 22 of the BRCA1 gene. It does not directly change the encoded amino acid sequence of the BRCA1 protein. It affects a nucleotide within the consensus splice site. This variant is not present in population databases (gnomAD no frequency). This variant has been observed in individual(s) with breast cancer (PMID: 26976419). ClinVar contains an entry for this variant (Variation ID: 96951). Algorithms developed to predict the effect of variants on gene product structure and function are not available or were not evaluated for this variant. Experimental studies have shown that this variant affects BRCA1 function (PMID: 30209399). Variants that disrupt the consensus splice site are a relatively common cause of aberrant splicing (PMID: 17576681, 9536098). Algorithms developed to predict the effect of sequence changes on RNA splicing suggest that this variant may disrupt the consensus splice site. In summary, the available evidence is currently insufficient to determine the role of this variant in disease. Therefore, it has been classified as a Variant of Uncertain Significance.

Department of Pathology and Laboratory Medicine, Sinai Health System
Classification: Uncertain significance for Familial cancer of breast; Breast-ovarian cancer, familial, susceptibility to, 1; Fanconi anemia, complementation group S. Last evaluated: 2024-05-21. Review status: criteria provided, single submitter. Criteria: ACMG Guidelines, 2015. Collection method: clinical testing. Allele origin: germline. Affected: yes.

GeneDx
Classification: Uncertain significance. Last evaluated: 2023-09-18. Review status: criteria provided, single submitter. Criteria: GeneDx Variant Classification Process June 2021. Collection method: clinical testing. Allele origin: germline. Affected: yes.
Comment: Observed in a patient with breast cancer (Tung et al., 2016); Not observed at significant frequency in large population cohorts (gnomAD); In silico analysis supports a deleterious effect on splicing; Published functional studies demonstrate a damaging: variant classified as non-functional based on a saturation genome editing (SGE) assay measuring cell survival (Findlay et al., 2018); Also known as 5586+3A>C; This variant is associated with the following publications: (PMID: 36977404, 30209399, 26976419)

Laboratorio de Genética, Hospital Universitario Reina Sofía
Classification: Likely pathogenic for Breast-ovarian cancer, familial, susceptibility to, 1. Review status: criteria provided, single submitter. Criteria: ACMG Guidelines, 2015. Collection method: clinical testing. Allele origin: germline. Inheritance: Autosomal dominant inheritance. Affected: yes. Observed: 2 variant alleles.
Comment: This variant is classified as likely pathogenic according to ACMG guidelines, as it meets the criteria PP4 (patient’s phenotype and family history is highly specific for a disease with a single genetic etiology), PP3 (variant is predicted splicing: scSNV-ADA = 0.998053 is between 0.957813 and 0.999322, and LOF in gene BRCA1 is known to cause disease (gene has 3 811 reported pathogenic LOF variants)), PM2 (Variant not found in gnomAD exomes, good gnomAD exomes coverage = 36.9), and PP1 (cosegregation with disease in multiple affected family members in a gene definitively known to cause the disease).

Brotman Baty Institute, University of Washington
No classification provided (evidence only). Condition: Breast-ovarian cancer, familial 1. Review status: no classification provided. Collection method: in vitro. Allele origin: not applicable. Functional consequence: functionally_abnormal. Not counted in ClinVar's aggregate classification.
ClinVar note: "not provided" was previously submitted as the classification for the variant. However, the classification appeared to be based only on an observation of functional data so it was converted to no classification on 2025-07-30.

Diagnostic Laboratory, Department of Genetics, University Medical Center Groningen
Classification: Uncertain significance. Review status: no assertion criteria provided. Collection method: clinical testing. Allele origin: germline. Affected: yes. Study: VKGL Data-share Consensus. Not counted in ClinVar's aggregate classification.

Joint Genome Diagnostic Labs from Nijmegen and Maastricht, Radboudumc and MUMC+
Classification: Uncertain significance. Review status: no assertion criteria provided. Collection method: clinical testing. Allele origin: germline. Affected: yes. Study: VKGL Data-share Consensus. Not counted in ClinVar's aggregate classification.

Literature cited by the submitters: PubMed 30209399 (cited by 4 submitters); PubMed 26976419 (cited by 4 submitters); PubMed 17576681 (cited by Labcorp Genetics (formerly Invitae), Labcorp); PubMed 9536098 (cited by Labcorp Genetics (formerly Invitae), Labcorp).